The following is an entry in ClinVar:

NM_012090.5(MACF1):c.35G>A (p.Arg12Gln)

Gene: MACF1 (microtubule actin crosslinking factor 1; plus strand). Cytogenetic location: 1p34.3.
Variant type: single nucleotide variant.
Coding change: c.35G>A on transcript NM_012090.5; coding-DNA position 35, G replaced by A.
Protein change: p.Arg12Gln; replaces arginine 12 with glutamine.
Molecular consequence: missense variant.
Genome position (GRCh38, 1-based): chr1:39,084,253, G>A. VCF-style: chr1-39084253-G-A. GRCh37 (hg19) VCF-style: chr1-39549925-G-A.
Other names: c.35G>A (NM_012090.4); short protein forms R12Q.
Identifiers: ClinVar variation 1314745 (VCV001314745.6), dbSNP rs200446050, ClinGen allele CA778990.
Genomic context (GRCh38, chr1:39,084,253, plus strand): 5'-CTCCTGCAGCAGCCCCCGCCTGGGCCATGTCTTCCTCAGATGAAGAGACGCTCAGTGAGC[G>A]GTCATGTCGGAGTGAGCGGTCTTGTCGGAGTGAGCGATCTTACAGGAGCGAGCGGTCGGG-3'

ClinVar aggregate classification (germline): Conflicting classifications of pathogenicity. Review status: criteria provided, conflicting classifications (1 of 4 stars). 5 submissions from 5 submitters: Uncertain significance (4); Likely benign (1). Last evaluated 2025-10-09.

Conditions:
Inborn genetic diseases. Identifiers: MedGen C0950123, MeSH D030342.
Lissencephaly 9 with complex brainstem malformation. Identifiers: Orphanet 572013, MedGen C5193029, MONDO:0032677, OMIM 618325.

Allele frequency attached by ClinVar (database versions not stated): ExAC 0.00008; ESP Exome Variant Server 0.00015; gnomAD 0.00015.
gnomAD v4.1: 376 of 1,612,688 alleles (0.023%); highest among the groups gnomAD compares: Non-Finnish European, 0.03%; no homozygotes.

Submissions (5):

Labcorp Genetics (formerly Invitae), Labcorp
Classification: Uncertain significance. Last evaluated: 2025-10-09. Review status: criteria provided, single submitter. Criteria: Invitae Variant Classification Sherloc (09022015). Collection method: clinical testing. Allele origin: germline.
Comment: This sequence change replaces arginine, which is basic and polar, with glutamine, which is neutral and polar, at codon 12 of the MACF1 protein (p.Arg12Gln). This variant is present in population databases (rs200446050, gnomAD 0.05%), and has an allele count higher than expected for a pathogenic variant. This variant has not been reported in the literature in individuals affected with MACF1-related conditions. ClinVar contains an entry for this variant (Variation ID: 1314745). Experimental studies and prediction algorithms are not available or were not evaluated, and the functional significance of this variant is currently unknown. In summary, the available evidence is currently insufficient to determine the role of this variant in disease. Therefore, it has been classified as a Variant of Uncertain Significance.

Genome-Nilou Lab
Classification: Uncertain significance for Lissencephaly 9 with complex brainstem malformation. Last evaluated: 2023-04-11. Review status: criteria provided, single submitter. Criteria: ACMG Guidelines, 2015. Collection method: clinical testing. Allele origin: germline. Affected: no.

Fulgent Genetics
Classification: Uncertain significance for Lissencephaly 9 with complex brainstem malformation. Last evaluated: 2022-04-28. Review status: criteria provided, single submitter. Criteria: ACMG Guidelines, 2015. Collection method: clinical testing. Allele origin: unknown.

Ambry Genetics
Classification: Likely benign for Inborn genetic diseases. Last evaluated: 2021-10-06. Review status: criteria provided, single submitter. Criteria: Ambry Variant Classification Scheme 2023. Collection method: clinical testing. Allele origin: germline.

GeneDx
Classification: Uncertain significance. Last evaluated: 2021-04-26. Review status: criteria provided, single submitter. Criteria: GeneDx Variant Classification Process June 2021. Collection method: clinical testing. Allele origin: germline. Affected: yes.
Comment: In silico analysis supports that this missense variant has a deleterious effect on protein structure/function; Has not been previously published as pathogenic or benign to our knowledge